The following is an entry in ClinVar:

NM_001008212.2(OPTN):c.623G>A (p.Gly208Asp)

Gene: OPTN (optineurin; plus strand). Cytogenetic location: 10p13.
Variant type: single nucleotide variant.
Coding change: c.623G>A on transcript NM_001008212.2 (MANE Select); coding-DNA position 623, G replaced by A.
Protein change: p.Gly208Asp; replaces glycine 208 with aspartic acid.
Molecular consequence: missense variant.
Genome position (GRCh38, 1-based): chr10:13,116,337, G>A. VCF-style: chr10-13116337-G-A. GRCh37 (hg19) VCF-style: chr10-13158337-G-A.
Other names: c.623G>A, p.Gly208Asp (NM_001008211.1, NM_001008213.1, NM_021980.4); short protein forms G208D.
Identifiers: ClinVar variation 3342005 (VCV003342005.16).
Genomic context (GRCh38, chr10:13,116,337, plus strand): 5'-CAGAAGGGTCAGTAAAAGAAATCAAGCATAGTCCTGGGCCCACGAGAACAGTCTCCACTG[G>A]CACGTATGTGAAGGAAGACTCGGGCTGTCAGGCAGACAGGCTGGGCAGGCTCGTCACTGG-3'
Protein context (NP_001008213.1, residues 198-218): SPGPTRTVST[Gly208Asp]TALSKYRSRS

ClinVar aggregate classification (germline): Uncertain significance (1 of 4 stars; one submission).

gnomAD v4.1: 1 of 1,612,020 alleles (0.000062%); highest among the groups gnomAD compares: South Asian, 0.0011%; no homozygotes.

Submission:

CeGaT Center for Human Genetics Tuebingen
Classification: Uncertain significance. Last evaluated: 2024-07-01. Review status: criteria provided, single submitter. Criteria: CeGaT Center For Human Genetics Tuebingen Variant Classification Criteria Version 2. Collection method: clinical testing. Allele origin: germline. Affected: yes. Observed: 1 variant allele.
Comment: OPTN: PM2, BP4